The following is an entry in ClinVar:

ClinVar aggregate classification (germline): Uncertain significance (1 of 4 stars; one submission).

Submission:

Labcorp Genetics (formerly Invitae), Labcorp
Classification: Uncertain significance. Last evaluated: 2024-12-30. Review status: criteria provided, single submitter. Criteria: Invitae Variant Classification Sherloc (09022015). Collection method: clinical testing. Allele origin: germline.
Comment: This sequence change creates a premature translational stop signal (p.Trp82*) in the TNFRSF6B gene. It is expected to result in an absent or disrupted protein product. However, the current clinical and genetic evidence is not sufficient to establish whether loss-of-function variants in TNFRSF6B cause disease. This variant is present in population databases (no rsID available, gnomAD 0.001%). This variant has not been reported in the literature in individuals affected with TNFRSF6B-related conditions. In summary, the available evidence is currently insufficient to determine the role of this variant in disease. Therefore, it has been classified as a Variant of Uncertain Significance.

NM_003823.4(TNFRSF6B):c.245G>A (p.Trp82Ter)

Genes: RTEL1-TNFRSF6B (RTEL1-TNFRSF6B readthrough (NMD candidate); plus strand), TNFRSF6B (TNF receptor superfamily member 6b; plus strand). Cytogenetic location: 20q13.33.
Variant type: single nucleotide variant.
Coding change: c.245G>A on transcript NM_003823.4 (MANE Select); coding-DNA position 245, G replaced by A.
Protein change: p.Trp82Ter; replaces tryptophan 82 with a stop codon.
Molecular consequence: nonsense. On other transcripts: non-coding transcript variant (1).
Genome position (GRCh38, 1-based): chr20:63,697,012, G>A. VCF-style: chr20-63697012-G-A. GRCh37 (hg19) VCF-style: chr20-62328365-G-A.
Other names: short protein forms W82*.
Identifiers: ClinVar variation 3680128 (VCV003680128.2).
Genomic context (GRCh38, chr20:63,697,012, plus strand): 5'-GCCGCCGAGACAGCCCCACGACGTGTGGCCCGTGTCCACCGCGCCACTACACGCAGTTCT[G>A]GAACTACCTAGAGCGCTGCCGCTACTGCAACGTCCTCTGCGGGGAGCGTGAGGAGGAGGC-3'